The following is an entry in ClinVar:

NM_000551.4(VHL):c.386T>C (p.Leu129Pro)

Genes: VHL (von Hippel-Lindau tumor suppressor; plus strand), LOC107303340 (3p25 von Hippel-Lindau tumor suppressor, E3 ubiquitin protein ligase Alu-mediated recombination region; plus strand). Cytogenetic location: 3p25.3.
Variant type: single nucleotide variant.
Coding change: c.386T>C on transcript NM_000551.4 (MANE Select); coding-DNA position 386, T replaced by C.
Protein change: p.Leu129Pro; replaces leucine 129 with proline.
Molecular consequence: missense variant. On other transcripts: intron variant (2).
Genome position (GRCh38, 1-based): chr3:10,146,559, T>C. VCF-style: chr3-10146559-T-C. GRCh37 (hg19) VCF-style: chr3-10188243-T-C.
Other names: c.*18-3228T>C (NM_001354723.2); c.341-3228T>C (NM_198156.3); short protein forms L129P.
Identifiers: ClinVar variation 625242 (VCV000625242.9), dbSNP rs1559428119, ClinGen allele CA351753904.

ClinVar aggregate classification (germline): Conflicting classifications of pathogenicity. Review status: criteria provided, conflicting classifications (1 of 4 stars). 2 submissions from 2 submitters: Pathogenic (1); Uncertain significance (1). Last evaluated 2023-12-11.

Conditions:
Von Hippel-Lindau syndrome (VHLS). Also called: von Hippel–Lindau syndrome; Von Hippel-Lindau; VHL syndrome. Identifiers: Orphanet 892, MedGen C0019562, MONDO:0008667, OMIM 193300. Disease mechanism: loss of function.
Chuvash polycythemia. Also called: POLYCYTHEMIA, VHL-DEPENDENT. Identifiers: Orphanet 238557, MedGen C1837915, MONDO:0009892, OMIM 263400.

Submissions (2):

Labcorp Genetics (formerly Invitae), Labcorp
Classification: Pathogenic for Von Hippel-Lindau syndrome; Chuvash polycythemia. Last evaluated: 2023-12-11. Review status: criteria provided, single submitter. Criteria: Invitae Variant Classification Sherloc (09022015). Collection method: clinical testing. Allele origin: germline.
Comment: This sequence change replaces leucine, which is neutral and non-polar, with proline, which is neutral and non-polar, at codon 129 of the VHL protein (p.Leu129Pro). This variant is not present in population databases (gnomAD no frequency). This missense change has been observed in individuals with von Hippel-Lindau syndrome (PMID: 20846682, 29022557, 33720516; Invitae). ClinVar contains an entry for this variant (Variation ID: 625242). Advanced modeling of protein sequence and biophysical properties (such as structural, functional, and spatial information, amino acid conservation, physicochemical variation, residue mobility, and thermodynamic stability) performed at Invitae indicates that this missense variant is expected to disrupt VHL protein function with a positive predictive value of 95%. For these reasons, this variant has been classified as Pathogenic.

Genomic Diagnostic Laboratory, Division of Genomic Diagnostics, Children's Hospital of Philadelphia
Classification: Uncertain significance for von Hippel-Lindau syndrome. Last evaluated: 2018-08-01. Review status: criteria provided, single submitter. Criteria: DGD Variant Analysis Guidelines. Collection method: clinical testing. Allele origin: germline. Affected: yes. Observed: 2 variant alleles.

Literature cited by the submitters: PubMed 20846682 (cited by Labcorp Genetics (formerly Invitae), Labcorp); PubMed 29022557 (cited by Labcorp Genetics (formerly Invitae), Labcorp); PubMed 33720516 (cited by Labcorp Genetics (formerly Invitae), Labcorp).